The following is an entry in ClinVar:

ClinVar aggregate classification (germline): Likely pathogenic (1 of 4 stars; one submission).

Conditions:
Sandhoff disease. Also called: GM2-GANGLIOSIDOSIS, TYPE II; HEXOSAMINIDASES A AND B DEFICIENCY; Beta-hexosaminidase-beta-subunit deficiency; GM2 gangliosidosis, type 2; Total hexosaminidase deficiency; Sandhoff-Jatzkewitz-Pilz disease. Identifiers: Orphanet 796, MedGen C0036161, MONDO:0010006, OMIM 268800.

Submission:

Myriad Genetics, Inc.
Classification: Likely pathogenic for Sandhoff disease. Last evaluated: 2022-04-04. Review status: criteria provided, single submitter. Criteria: Myriad Women's Health Autosomal Recessive and X-Linked Classification Criteria (2021). Collection method: clinical testing. Allele origin: unknown.
Comment: NM_000521.3(HEXB):c.626delC(T209Nfs*30) is expected to be pathogenic in the context of Sandhoff disease. This variant is predicted to lead to an abnormal or absent protein product due to the creation of a premature termination codon in HEXB, a gene where loss-of-function variants are known to be pathogenic. Please note: this variant was assessed in the context of healthy population screening.

NM_000521.4(HEXB):c.626del (p.Thr209fs)

Gene: HEXB (hexosaminidase subunit beta; plus strand). Cytogenetic location: 5q13.3.
Variant type: Deletion.
Coding change: c.626del on transcript NM_000521.4 (MANE Select); coding-DNA position 626, one base deleted (C; older notation c.626delC).
Protein change: p.Thr209fs; shifts the reading frame from threonine 209.
Molecular consequence: frameshift variant. On other transcripts: 5 prime UTR variant (1).
Genome position (GRCh38, 1-based): chr5:74,697,063, C deleted. VCF-style (leftmost placement, unchanged base first): chr5-74697062-AC-A. GRCh37 (hg19) VCF-style: chr5-73992887-AC-A.
Other names: c.-50del (NM_001292004.2); short protein forms T209fs.
Identifiers: ClinVar variation 1725849 (VCV001725849.2), dbSNP rs2478712447, ClinGen allele CA2580073416.